The following is an entry in ClinVar:

NM_033103.5(RHPN2):c.948+8T>C

Gene: RHPN2 (rhophilin Rho GTPase binding protein 2; minus strand). Cytogenetic location: 19q13.11.
Variant type: single nucleotide variant.
Coding change: c.948+8T>C on transcript NM_033103.5 (MANE Select); 8 bases into the intron after coding-DNA position 948, T replaced by C.
Molecular consequence: intron variant.
Genome position (GRCh38, 1-based): chr19:33,002,805, A>G on the plus strand (T>C on the coding strand, the complement: RHPN2 is on the minus strand). VCF-style: chr19-33002805-A-G. GRCh37 (hg19) VCF-style: chr19-33493711-A-G.
Identifiers: ClinVar variation 2649692 (VCV002649692.24), dbSNP rs201787348, ClinGen allele CA9360630.

ClinVar aggregate classification (germline): Likely benign (1 of 4 stars; one submission).

Allele frequency attached by ClinVar (database versions not stated): ESP Exome Variant Server 0.00046; TOPMed 0.00064; ExAC 0.00071.
gnomAD v4.1: 824 of 1,613,516 alleles (0.051%); highest among the groups gnomAD compares: Middle Eastern, 0.033%; 5 homozygotes.

Submission:

CeGaT Center for Human Genetics Tuebingen
Classification: Likely benign. Last evaluated: 2022-03-01. Review status: criteria provided, single submitter. Criteria: CeGaT Center For Human Genetics Tuebingen Variant Classification Criteria Version 2. Collection method: clinical testing. Allele origin: germline. Affected: yes. Observed: 1 variant allele.
Comment: RHPN2: BP4, BS2